The following is an entry in ClinVar:

ClinVar aggregate classification (germline): Conflicting classifications of pathogenicity. Review status: criteria provided, conflicting classifications (1 of 4 stars). 2 submissions from 2 submitters: Likely pathogenic (1); Uncertain significance (1). Last evaluated 2025-05-02.

Conditions:
DNA ligase IV deficiency. Identifiers: Orphanet 99812, MedGen C1847827, MONDO:0011686, OMIM 606593.

Submissions (2):

Women's Health and Genetics/Laboratory Corporation of America, LabCorp
Classification: Uncertain significance. Last evaluated: 2025-05-02. Review status: criteria provided, single submitter. Criteria: LabCorp Variant Classification Summary - May 2015. Collection method: clinical testing. Allele origin: germline.
Comment: Variant summary: LIG4 c.832C>A (p.Arg278Ser) results in a non-conservative amino acid change in the encoded protein sequence. Algorithms developed to predict the effect of missense changes on protein structure and function all suggest that this variant is likely to be disruptive. The variant was absent in 250416 control chromosomes. The available data on variant occurrences in the general population are insufficient to allow any conclusion about variant significance. To our knowledge, no occurrence of c.832C>A in individuals affected with Severe Combined Immunodeficiency and no experimental evidence demonstrating its impact on protein function have been reported. A different variant affecting the same codon has been classified as likely pathogenic/pathogenic by our lab (c.833G>T, p.Arg278Leu), supporting the critical relevance of codon 278 to LIG4 protein function. ClinVar contains an entry for this variant (Variation ID: 2784298). Based on the evidence outlined above, the variant was classified as uncertain significance.

Labcorp Genetics (formerly Invitae), Labcorp
Classification: Likely pathogenic for DNA ligase IV deficiency. Last evaluated: 2024-02-24. Review status: criteria provided, single submitter. Criteria: Invitae Variant Classification Sherloc (09022015). Collection method: clinical testing. Allele origin: germline.
Comment: This sequence change replaces arginine, which is basic and polar, with serine, which is neutral and polar, at codon 278 of the LIG4 protein (p.Arg278Ser). This variant is not present in population databases (gnomAD no frequency). This variant has not been reported in the literature in individuals affected with LIG4-related conditions. Advanced modeling of protein sequence and biophysical properties (such as structural, functional, and spatial information, amino acid conservation, physicochemical variation, residue mobility, and thermodynamic stability) performed at Invitae indicates that this missense variant is expected to disrupt LIG4 protein function with a positive predictive value of 95%. This variant disrupts the p.Arg278 amino acid residue in LIG4. Other variant(s) that disrupt this residue have been determined to be pathogenic (PMID: 11779494, 15333585, 26762768, 27893162, 30719430). This suggests that this residue is clinically significant, and that variants that disrupt this residue are likely to be disease-causing. In summary, the currently available evidence indicates that the variant is pathogenic, but additional data are needed to prove that conclusively. Therefore, this variant has been classified as Likely Pathogenic.

Literature cited by the submitters: PubMed 11779494 (cited by Labcorp Genetics (formerly Invitae), Labcorp); PubMed 15333585 (cited by Labcorp Genetics (formerly Invitae), Labcorp); PubMed 26762768 (cited by Labcorp Genetics (formerly Invitae), Labcorp); PubMed 27893162 (cited by Labcorp Genetics (formerly Invitae), Labcorp); PubMed 30719430 (cited by Labcorp Genetics (formerly Invitae), Labcorp).

NM_206937.2(LIG4):c.832C>A (p.Arg278Ser)

Gene: LIG4 (DNA ligase 4; minus strand). Cytogenetic location: 13q33.3.
Variant type: single nucleotide variant.
Coding change: c.832C>A on transcript NM_206937.2 (MANE Select); coding-DNA position 832, C replaced by A.
Protein change: p.Arg278Ser; replaces arginine 278 with serine.
Molecular consequence: missense variant.
Genome position (GRCh38, 1-based): chr13:108,210,437, G>T on the plus strand (C>A on the coding strand, the complement: LIG4 is on the minus strand). VCF-style: chr13-108210437-G-T. GRCh37 (hg19) VCF-style: chr13-108862785-G-T.
Other names: c.832C>A, p.Arg278Ser (NM_001098268.2, NM_001352598.2, NM_001352599.2 and 6 more transcripts); c.631C>A, p.Arg211Ser (NM_001330595.2); c.868C>A, p.Arg290Ser (NM_001352604.2); short protein forms R278S, R290S, R211S.
Identifiers: ClinVar variation 2784298 (VCV002784298.4), dbSNP rs574912936, ClinGen allele CA388619895.